The following is an entry in ClinVar:

ClinVar aggregate classification (germline): Uncertain significance (1 of 4 stars; one submission).

Conditions:
RYR1-related disorder. Also called: RYR1-related condition; RYR1-related disorders. Identifiers: MedGen CN239331.

gnomAD v4.1: 1 of 1,614,038 alleles (0.000062%); highest among the groups gnomAD compares: Non-Finnish European, 0.000085%; no homozygotes.

Submission:

Labcorp Genetics (formerly Invitae), Labcorp
Classification: Uncertain significance for RYR1-related disorder. Last evaluated: 2022-02-22. Review status: criteria provided, single submitter. Criteria: Invitae Variant Classification Sherloc (09022015). Collection method: clinical testing. Allele origin: germline.
Comment: In summary, the available evidence is currently insufficient to determine the role of this variant in disease. Therefore, it has been classified as a Variant of Uncertain Significance. Advanced modeling of protein sequence and biophysical properties (such as structural, functional, and spatial information, amino acid conservation, physicochemical variation, residue mobility, and thermodynamic stability) performed at Invitae indicates that this missense variant is expected to disrupt RYR1 protein function. This variant has not been reported in the literature in individuals affected with RYR1-related conditions. This variant is not present in population databases (gnomAD no frequency). This sequence change replaces tyrosine, which is neutral and polar, with cysteine, which is neutral and slightly polar, at codon 3936 of the RYR1 protein (p.Tyr3936Cys).

NM_000540.3(RYR1):c.11807A>G (p.Tyr3936Cys)

Gene: RYR1 (ryanodine receptor 1; plus strand). Cytogenetic location: 19q13.2.
Variant type: single nucleotide variant.
Coding change: c.11807A>G on transcript NM_000540.3 (MANE Select); coding-DNA position 11807, A replaced by G.
Protein change: p.Tyr3936Cys; replaces tyrosine 3936 with cysteine.
Molecular consequence: missense variant.
Genome position (GRCh38, 1-based): chr19:38,543,560, A>G. VCF-style: chr19-38543560-A-G. GRCh37 (hg19) VCF-style: chr19-39034200-A-G.
Other names: c.11792A>G, p.Tyr3931Cys (NM_001042723.2); short protein forms Y3931C, Y3936C.
Identifiers: ClinVar variation 2088553 (VCV002088553.4), dbSNP rs1259340549, ClinGen allele CA405661776.